The following is an entry in ClinVar:

NM_080283.4(ABCA9):c.3214C>T (p.Leu1072=)

Genes: ABCA9 (ATP binding cassette subfamily A member 9; minus strand), ABCA9-AS1 (ABCA9 antisense RNA 1; plus strand). Cytogenetic location: 17q24.2.
Variant type: single nucleotide variant.
Coding change: c.3214C>T on transcript NM_080283.4 (MANE Select); coding-DNA position 3214, C replaced by T.
Protein change: p.Leu1072=; no amino-acid change (leucine 1072 retained).
Molecular consequence: synonymous variant.
Genome position (GRCh38, 1-based): chr17:69,008,169, G>A on the plus strand (C>T on the coding strand, the complement: ABCA9 is on the minus strand). VCF-style: chr17-69008169-G-A. GRCh37 (hg19) VCF-style: chr17-67004310-G-A.
Identifiers: ClinVar variation 2648160 (VCV002648160.24), dbSNP rs143208550, ClinGen allele CA8732435.
Genomic context (GRCh38, chr17:69,008,169, plus strand): 5'-AAATATAATCCATTATTTGCATTAGCAGGAGGATCAAAAAGTACAGGGAAACATCCACCA[G>A]TGCTTGGCCAAACCAGTATGCAGAAGGGTAGAGGCCTGAAATCCGTAGCTGGGAATGAGC-3'
Protein context (NP_525022.2, residues 1062-1082): YPSAYWFGQA[Leu1072=]VDVSLYFLIL

ClinVar aggregate classification (germline): Likely benign (1 of 4 stars; one submission).

Allele frequency attached by ClinVar (database versions not stated): 1000 Genomes Project 0.00120; 1000 Genomes Project 30x 0.00141; ExAC 0.00166; TOPMed 0.00178; gnomAD 0.00192; ESP Exome Variant Server 0.00254.
gnomAD v4.1: 4,196 of 1,614,008 alleles (0.26%); highest among the groups gnomAD compares: Non-Finnish European, 0.33%; 5 homozygotes.

Submission:

CeGaT Center for Human Genetics Tuebingen
Classification: Likely benign. Last evaluated: 2022-04-01. Review status: criteria provided, single submitter. Criteria: CeGaT Center For Human Genetics Tuebingen Variant Classification Criteria Version 2. Collection method: clinical testing. Allele origin: germline. Affected: yes. Observed: 1 variant allele.
Comment: ABCA9: BP4, BP7